The following is an entry in ClinVar:

ClinVar aggregate classification (germline): Uncertain significance (1 of 4 stars; one submission).

Conditions:
Inborn genetic diseases. Identifiers: MedGen C0950123, MeSH D030342.

Submission:

Ambry Genetics
Classification: Uncertain significance for Inborn genetic diseases. Last evaluated: 2024-11-09. Review status: criteria provided, single submitter. Criteria: Ambry Variant Classification Scheme 2023. Collection method: clinical testing. Allele origin: germline.
Comment: The p.S915N variant (also known as c.2744G>A), located in coding exon 21 of the BUB1B gene, results from a G to A substitution at nucleotide position 2744. The serine at codon 915 is replaced by asparagine, an amino acid with highly similar properties. This amino acid position is conserved. In addition, the in silico prediction for this alteration is inconclusive. Based on the available evidence, the clinical significance of this variant remains unclear.

NM_001211.6(BUB1B):c.2744G>A (p.Ser915Asn)

Genes: BUB1B (BUB1 mitotic checkpoint serine/threonine kinase B; plus strand), BUB1B-PAK6 (BUB1B-PAK6 readthrough; plus strand). Cytogenetic location: 15q15.1.
Variant type: single nucleotide variant.
Coding change: c.2744G>A on transcript NM_001211.6 (MANE Select); coding-DNA position 2744, G replaced by A.
Protein change: p.Ser915Asn; replaces serine 915 with asparagine.
Molecular consequence: missense variant. On other transcripts: 5 prime UTR variant (2).
Genome position (GRCh38, 1-based): chr15:40,217,561, G>A. VCF-style: chr15-40217561-G-A. GRCh37 (hg19) VCF-style: chr15-40509762-G-A.
Other names: c.-307G>A (NM_001128628.3); c.-224G>A (NM_001128629.3); short protein forms S915N.
Identifiers: ClinVar variation 3483231 (VCV003483231.1).
Genomic context (GRCh38, chr15:40,217,561, plus strand): 5'-ACGATCCCTATGATTGTAACAAGAACAATCAAGCTTTGAAGATAGTGGACTTTTCCTACA[G>A]TGTTGACCTTAGGGTGCAGCTGGATGTTTTTACCCTCAGCGGCTTTCGGACTGTACAGAT-3'
Protein context (NP_001202.5, residues 905-925): QALKIVDFSY[Ser915Asn]VDLRVQLDVF